The following is an entry in ClinVar:

ClinVar aggregate classification (germline): Likely benign. Review status: criteria provided, multiple submitters, no conflicts (2 of 4 stars). 2 submissions from 2 submitters: Likely benign (2). Last evaluated 2026-03-15.

Conditions:
DLL1-related disorder. Also called: DLL1-related condition.

gnomAD v4.1: 163 of 1,555,536 alleles (0.01%); highest among the groups gnomAD compares: Middle Eastern, 0.034%; no homozygotes.

Submissions (2):

PreventionGenetics, part of Exact Sciences
Classification: Likely benign for DLL1-related condition. Last evaluated: 2026-03-15. Review status: criteria provided, single submitter. Criteria: ACMG Guidelines, 2015. Collection method: clinical testing. Allele origin: germline.
Comment: This variant is classified as likely benign based on ACMG/AMP sequence variant interpretation guidelines (Richards et al. 2015 PMID: 25741868, with internal and published modifications).

Blueprint Genetics
Classification: Likely benign. Last evaluated: 2024-03-23. Review status: criteria provided, single submitter. Criteria: ACMG Guidelines, 2015. Collection method: clinical testing. Allele origin: germline.

NM_005618.4(DLL1):c.1575G>A (p.Pro525=)

Gene: DLL1 (delta like canonical Notch ligand 1; minus strand). Cytogenetic location: 6q27.
Variant type: single nucleotide variant.
Coding change: c.1575G>A on transcript NM_005618.4 (MANE Select); coding-DNA position 1575, G replaced by A.
Protein change: p.Pro525=; no amino-acid change (proline 525 retained).
Molecular consequence: synonymous variant.
Genome position (GRCh38, 1-based): chr6:170,283,704, C>T on the plus strand (G>A on the coding strand, the complement: DLL1 is on the minus strand). VCF-style: chr6-170283704-C-T. GRCh37 (hg19) VCF-style: chr6-170592792-C-T.
Other names: c.1575G>A (NM_005618.3).
Identifiers: ClinVar variation 4894863 (VCV004894863.2).